The following is an entry in ClinVar:

NM_002764.4(PRPS1):c.870T>C (p.Ile290=)

Gene: PRPS1 (phosphoribosyl pyrophosphate synthetase 1; plus strand). Cytogenetic location: Xq22.3.
Variant type: single nucleotide variant.
Coding change: c.870T>C on transcript NM_002764.4 (MANE Select); coding-DNA position 870, T replaced by C.
Protein change: p.Ile290=; no amino-acid change (isoleucine 290 retained).
Molecular consequence: synonymous variant.
Genome position (GRCh38, 1-based): chrX:107,649,945, T>C. VCF-style: chrX-107649945-T-C. GRCh37 (hg19) VCF-style: chrX-106893175-T-C.
Other names: c.258T>C, p.Ile86= (NM_001204402.2).
Identifiers: ClinVar variation 698965 (VCV000698965.13), dbSNP rs754068855, ClinGen allele CA10485694.
Genomic context (GRCh38, chrX:107,649,945, plus strand): 5'-GCCAGTCATCTCTGACCATATGATAGTAACCTGATTTCCTTTCTTGCCTTTCTAGGTGAT[T>C]GACATCTCTATGATCCTTGCAGAAGCCATCAGGAGAACTCACAATGGAGAATCCGTTTCT-3'
Protein context (NP_002755.1, residues 280-300): KMKHCSKIQV[Ile290=]DISMILAEAI

ClinVar aggregate classification (germline): Likely benign. Review status: criteria provided, multiple submitters, no conflicts (2 of 4 stars). 3 submissions from 3 submitters: Likely benign (3). Last evaluated 2026-06-01.

Conditions:
PRPS1-related disorder. Also called: PRPS1-related condition.
Charcot-Marie-Tooth Neuropathy X. Identifiers: MedGen CN118851.

Allele frequency attached by ClinVar (database versions not stated): ExAC 0.00002; gnomAD exomes 0.00003 and 0.00007; TOPMed 0.00003; gnomAD 0.00005.
gnomAD v4.1: 21 of 1,210,533 alleles (0.0017%); highest among the groups gnomAD compares: Admixed American, 0.046%; no homozygotes.

Submissions (3):

CeGaT Center for Human Genetics Tuebingen
Classification: Likely benign. Last evaluated: 2026-06-01. Review status: criteria provided, single submitter. Criteria: CeGaT Center For Human Genetics Tuebingen Variant Classification Criteria Version 2. Collection method: clinical testing. Allele origin: germline. Affected: yes. Observed: 1 variant allele.
Comment: PRPS1: BS2

Labcorp Genetics (formerly Invitae), Labcorp
Classification: Likely benign for Charcot-Marie-Tooth Neuropathy X. Last evaluated: 2025-12-03. Review status: criteria provided, single submitter. Criteria: Invitae Variant Classification Sherloc (09022015). Collection method: clinical testing. Allele origin: germline.

PreventionGenetics, part of Exact Sciences
Classification: Likely benign for PRPS1-related condition. Last evaluated: 2025-05-11. Review status: criteria provided, single submitter. Criteria: ACMG Guidelines, 2015. Collection method: clinical testing. Allele origin: germline.
Comment: This variant is classified as likely benign based on ACMG/AMP sequence variant interpretation guidelines (Richards et al. 2015 PMID: 25741868, with internal and published modifications).